The following is an entry in ClinVar:

NM_021035.3(ZNFX1):c.4604dup (p.Cys1536fs)

Gene: ZNFX1 (zinc finger NFX1-type containing 1; minus strand). Cytogenetic location: 20q13.13.
Variant type: Duplication.
Coding change: c.4604dup on transcript NM_021035.3 (MANE Select); coding-DNA position 4604, one base duplicated (C; older notation c.4604dupC).
Protein change: p.Cys1536fs; shifts the reading frame from cysteine 1536.
Molecular consequence: frameshift variant.
Genome position (GRCh38, 1-based): chr20:49,248,420, G duplicated on the plus strand (C on the coding strand, the reverse complement: ZNFX1 is on the minus strand); the first of 5 consecutive G bases (chr20:49,248,420-49,248,424); duplicating any one gives the same sequence. VCF-style (leftmost placement, unchanged base first): chr20-49248419-T-TG. GRCh37 (hg19) VCF-style: chr20-47864956-T-TG.
Other names: short protein forms C1536fs.
Identifiers: ClinVar variation 5003070 (VCV005003070.1).

ClinVar aggregate classification (germline): Uncertain significance (1 of 4 stars; one submission).

Conditions:
Immunodeficiency 91 and hyperinflammation. Identifiers: MedGen C5562073, MONDO:0030491, OMIM 619644.

Submission:

OLLIN Analises Genomicas, OLLIN
Classification: Uncertain significance for Immunodeficiency 91 and hyperinflammation. Last evaluated: 2026-08-06. Review status: criteria provided, single submitter. Criteria: ACMG Guidelines 2015 PMID 25741868. Collection method: clinical testing. Allele origin: germline.
Comment: This frameshift variant, located in exon 14 (of 14), has been observed in gnomAD with an allele frequency of 0.00012%, but has not been reported in ClinVar or identified in the literature. This variant causes a frameshift and introduces a premature stop codon, which is predicted to result in either a truncated protein or degradation of the mRNA via nonsense-mediated decay (NMD). According to the currently available evidence, this variant has been classified as uncertain significance (PVS1_S, PM2_P).